The following is an entry in ClinVar:

NM_001378120.1(MBD5):c.4094A>G (p.Asp1365Gly)

Gene: MBD5 (methyl-CpG binding domain protein 5; plus strand). Cytogenetic location: 2q23.1.
Variant type: single nucleotide variant.
Coding change: c.4094A>G on transcript NM_001378120.1 (MANE Select); coding-DNA position 4094, A replaced by G.
Protein change: p.Asp1365Gly; replaces aspartic acid 1365 with glycine.
Molecular consequence: missense variant.
Genome position (GRCh38, 1-based): chr2:148,489,726, A>G. VCF-style: chr2-148489726-A-G. GRCh37 (hg19) VCF-style: chr2-149247295-A-G.
Other names: c.3395A>G, p.Asp1132Gly (NM_018328.5); short protein forms D1132G, D1365G.
Identifiers: ClinVar variation 2874580 (VCV002874580.3), dbSNP rs2470022654, ClinGen allele CA348728007.

ClinVar aggregate classification (germline): Uncertain significance (1 of 4 stars; one submission).

Conditions:
Intellectual developmental disorder, autosomal dominant 1. Also called: MBD5 Haploinsufficiency; Intellectual disability, autosomal dominant 1. Identifiers: Orphanet 228402, MedGen C1969562, MONDO:0007974, OMIM 156200.

Allele frequency attached by ClinVar (database versions not stated): gnomAD exomes below 0.00001.
gnomAD v4.1: 1 of 1,614,140 alleles (0.000062%); highest among the groups gnomAD compares: Non-Finnish European, 0.000085%; no homozygotes.

Submission:

Labcorp Genetics (formerly Invitae), Labcorp
Classification: Uncertain significance for Intellectual developmental disorder, autosomal dominant 1. Last evaluated: 2022-12-04. Review status: criteria provided, single submitter. Criteria: Invitae Variant Classification Sherloc (09022015). Collection method: clinical testing. Allele origin: germline.
Comment: Algorithms developed to predict the effect of missense changes on protein structure and function are either unavailable or do not agree on the potential impact of this missense change (SIFT: "Deleterious"; PolyPhen-2: "Not Available"; Align-GVGD: "Class C65"). This variant has not been reported in the literature in individuals affected with MBD5-related conditions. This variant is not present in population databases (gnomAD no frequency). This sequence change replaces aspartic acid, which is acidic and polar, with glycine, which is neutral and non-polar, at codon 1132 of the MBD5 protein (p.Asp1132Gly). In summary, the available evidence is currently insufficient to determine the role of this variant in disease. Therefore, it has been classified as a Variant of Uncertain Significance.